The following is an entry in ClinVar:

NM_001042424.3(NSD2):c.1592G>C (p.Arg531Thr)

Gene: NSD2 (nuclear receptor binding SET domain protein 2; plus strand). Cytogenetic location: 4p16.3.
Variant type: single nucleotide variant.
Coding change: c.1592G>C on transcript NM_001042424.3 (MANE Select); coding-DNA position 1592, G replaced by C.
Protein change: p.Arg531Thr; replaces arginine 531 with threonine.
Molecular consequence: missense variant.
Genome position (GRCh38, 1-based): chr4:1,935,180, G>C. VCF-style: chr4-1935180-G-C. GRCh37 (hg19) VCF-style: chr4-1936907-G-C.
Other names: c.1592G>C, p.Arg531Thr (NM_007331.2, NM_133330.3, NM_133331.3 and 2 more transcripts); short protein forms R531T.
Identifiers: ClinVar variation 2909263 (VCV002909263.4), dbSNP rs140468997, ClinGen allele CA2812142.

ClinVar aggregate classification (germline): Conflicting classifications of pathogenicity. Review status: criteria provided, conflicting classifications (1 of 4 stars). 2 submissions from 2 submitters: Uncertain significance (1); Likely benign (1). Last evaluated 2025-09-03.

Conditions:
Inborn genetic diseases. Identifiers: MedGen C0950123, MeSH D030342.

Allele frequency attached by ClinVar (database versions not stated): gnomAD exomes 0.00003; gnomAD 0.00007; ExAC 0.00009; 1000 Genomes Project 30x 0.00031; ESP Exome Variant Server 0.00023; 1000 Genomes Project 0.00020.
gnomAD v4.1: 55 of 1,612,874 alleles (0.0034%); highest among the groups gnomAD compares: Admixed American, 0.022%; no homozygotes.

Submissions (2):

Labcorp Genetics (formerly Invitae), Labcorp
Classification: Uncertain significance. Last evaluated: 2025-09-03. Review status: criteria provided, single submitter. Criteria: Invitae Variant Classification Sherloc (09022015). Collection method: clinical testing. Allele origin: germline.
Comment: This sequence change replaces arginine, which is basic and polar, with threonine, which is neutral and polar, at codon 531 of the WHSC1 protein (p.Arg531Thr). This variant is present in population databases (rs140468997, gnomAD 0.02%). This variant has not been reported in the literature in individuals affected with WHSC1-related conditions. ClinVar contains an entry for this variant (Variation ID: 2909263). Invitae Evidence Modeling of protein sequence and biophysical properties (such as structural, functional, and spatial information, amino acid conservation, physicochemical variation, residue mobility, and thermodynamic stability) indicates that this missense variant is not expected to disrupt WHSC1 protein function with a negative predictive value of 80%. In summary, the available evidence is currently insufficient to determine the role of this variant in disease. Therefore, it has been classified as a Variant of Uncertain Significance.

Ambry Genetics
Classification: Likely benign for Inborn genetic diseases. Last evaluated: 2023-10-24. Review status: criteria provided, single submitter. Criteria: Ambry Variant Classification Scheme 2023. Collection method: clinical testing. Allele origin: germline.